The following is an entry in ClinVar:

ClinVar aggregate classification (germline): Uncertain significance (1 of 4 stars; one submission).

Conditions:
Atrioventricular septal defect 4 (AVSD4). Identifiers: MedGen C3280781, MONDO:0013747, OMIM 614430.

Submission:

Labcorp Genetics (formerly Invitae), Labcorp
Classification: Uncertain significance for Atrioventricular septal defect 4. Last evaluated: 2024-10-22. Review status: criteria provided, single submitter. Criteria: Invitae Variant Classification Sherloc (09022015). Collection method: clinical testing. Allele origin: germline.
Comment: This sequence change replaces alanine, which is neutral and non-polar, with threonine, which is neutral and polar, at codon 66 of the GATA4 protein (p.Ala66Thr). This variant is not present in population databases (gnomAD no frequency). This missense change has been observed in individual(s) with heart defects (PMID: 19915893, 28161810, 29377543). Invitae Evidence Modeling of protein sequence and biophysical properties (such as structural, functional, and spatial information, amino acid conservation, physicochemical variation, residue mobility, and thermodynamic stability) indicates that this missense variant is not expected to disrupt GATA4 protein function with a negative predictive value of 95%. In summary, the available evidence is currently insufficient to determine the role of this variant in disease. Therefore, it has been classified as a Variant of Uncertain Significance.

Literature cited by the submitters: PubMed 19915893; PubMed 28161810; PubMed 29377543.

NM_001308093.3(GATA4):c.196G>A (p.Ala66Thr)

Gene: GATA4 (GATA binding protein 4). Cytogenetic location: 8p23.1.
Variant type: single nucleotide variant.
Coding change: c.196G>A on transcript NM_001308093.3 (MANE Select); coding-DNA position 196, G replaced by A.
Protein change: p.Ala66Thr; replaces alanine 66 with threonine.
Molecular consequence: missense variant. On other transcripts: intron variant (3).
Genome position (GRCh38, 1-based): chr8:11,708,508, G>A. VCF-style: chr8-11708508-G-A. GRCh37 (hg19) VCF-style: chr8-11566017-G-A.
Other names: c.196G>A, p.Ala66Thr (NM_002052.5); c.-6+7730G>A (NM_001308094.2); c.-3+494G>A (NM_001374274.1); c.-3+4204G>A (NM_001374273.1); short protein forms A66T.
Identifiers: ClinVar variation 3628378 (VCV003628378.2).